The following is an entry in ClinVar:

NM_130837.3(OPA1):c.1945_1948del (p.Phe649fs)

Gene: OPA1 (OPA1 mitochondrial dynamin like GTPase; plus strand). Cytogenetic location: 3q29.
Variant type: Deletion.
Coding change: c.1945_1948del on transcript NM_130837.3 (MANE Select); coding-DNA positions 1945 to 1948, 4 bases deleted (TTTG; older notation c.1945_1948delTTTG).
Protein change: p.Phe649fs; shifts the reading frame from phenylalanine 649.
Molecular consequence: frameshift variant.
Genome position (GRCh38, 1-based): chr3:193,648,804-193,648,807, TTTG deleted. VCF-style (leftmost placement, unchanged base first): chr3-193648803-ATTTG-A. GRCh37 (hg19) VCF-style: chr3-193366592-ATTTG-A.
Other names: c.1411_1414del, p.Phe471fs (NM_001354663.2); c.1408_1411del, p.Phe470fs (NM_001354664.2); c.1780_1783del, p.Phe594fs (NM_015560.3); c.1672_1675del, p.Phe558fs (NM_130831.3); c.1726_1729del, p.Phe576fs (NM_130832.3); c.1783_1786del, p.Phe595fs (NM_130833.3); c.1834_1837del, p.Phe612fs (NM_130834.3); c.1837_1840del, p.Phe613fs (NM_130835.3); and 1 more; short protein forms F470fs, F471fs, F558fs, F576fs, F594fs, F595fs, F612fs, F613fs.
Identifiers: ClinVar variation 3377083 (VCV003377083.1).

ClinVar aggregate classification (germline): Pathogenic (1 of 4 stars; one submission).

Conditions:
Optic atrophy with or without deafness, ophthalmoplegia, myopathy, ataxia, and neuropathy. Also called: OPTIC ATROPHY PLUS SYNDROME. Identifiers: MedGen C3276549, MONDO:0007429, OMIM 125250.

Submission:

Victorian Clinical Genetics Services, Murdoch Childrens Research Institute
Classification: Pathogenic for Optic atrophy with or without deafness, ophthalmoplegia, myopathy, ataxia, and neuropathy. Last evaluated: 2024-10-10. Review status: criteria provided, single submitter. Criteria: ACMG Guidelines, 2015. Collection method: clinical testing. Allele origin: germline. Inheritance: Autosomal dominant inheritance. Affected: yes.
Comment: Based on the classification scheme VCGS_Germline_v1.3.5, this variant is classified as Pathogenic. Following criteria are met: 0102 - Loss of function is a known mechanism of disease in this gene and is associated with OPA1-related conditions (OMIM). (I) 0108 - This gene is associated with both recessive and dominant disease. Truncating variants and mutations in the C-terminal domain are associated with dominant optic atrophy. Individuals carrying missense variants are clustered within the GTPase domain, generally develop optic atrophy plus syndrome. Lastly, biallelic variants have been associated with early onset Behr syndrome (PMID: 31500643, 28494813, 25012220, 30165240). (I) 0112 - The condition associated with this gene has incomplete penetrance (PMID: 17306754). (I) 0201 - Variant is predicted to cause nonsense-mediated decay (NMD) and loss of protein (premature termination codon is located at least 54 nucleotides upstream of the final exon-exon junction). (SP) 0251 - This variant is heterozygous. (I) 0301 - Variant is absent from gnomAD (v2, v3 and v4). (SP) 0701 - Other NMD-predicted variants comparable to the one identified in this case have very strong previous evidence for pathogenicity (DECIPHER). (SP) 0803 - This variant has limited previous evidence of pathogenicity in unrelated individuals. This variant has been observed in two unrelated individuals with optic atrophy (PMIDs: 27860320, 11440989). (SP) 1208 - Inheritance information for this variant is not currently available in this individual. (I) Legend: (SP) - Supporting pathogenic, (I) - Information, (SB) - Supporting benign

Literature cited by the submitters: PubMed 11440989; PubMed 17306754; PubMed 25012220; PubMed 27860320; PubMed 28494813; PubMed 30165240; PubMed 31500643.